The following is an entry in ClinVar:

NM_030665.4(RAI1):c.1489C>G (p.Leu497Val)

Gene: RAI1 (retinoic acid induced 1; plus strand). Cytogenetic location: 17p11.2.
Variant type: single nucleotide variant.
Coding change: c.1489C>G on transcript NM_030665.4 (MANE Select); coding-DNA position 1489, C replaced by G.
Protein change: p.Leu497Val; replaces leucine 497 with valine.
Molecular consequence: missense variant.
Genome position (GRCh38, 1-based): chr17:17,794,437, C>G. VCF-style: chr17-17794437-C-G. GRCh37 (hg19) VCF-style: chr17-17697751-C-G.
Other names: short protein forms L497V.
Identifiers: ClinVar variation 5001904 (VCV005001904.1).

ClinVar aggregate classification (germline): Uncertain significance (1 of 4 stars; one submission).

Conditions:
RAI1-related disorder. Also called: RAI1-related condition.

Submission:

PreventionGenetics, part of Exact Sciences
Classification: Uncertain significance for RAI1-related condition. Last evaluated: 2024-11-25. Review status: criteria provided, single submitter. Criteria: ACMG Guidelines, 2015. Collection method: clinical testing. Allele origin: germline.
Comment: The RAI1 c.1489C>G variant is predicted to result in the amino acid substitution p.Leu497Val. To our knowledge, this variant has not been reported in the literature or in a large population database (gnomAD), indicating this variant is rare. At this time, the clinical significance of this variant is uncertain due to the absence of conclusive functional and genetic evidence.